The following is an entry in ClinVar:

ClinVar aggregate classification (germline): Uncertain significance (1 of 4 stars; one submission).

Conditions:
Hereditary cancer-predisposing syndrome. Also called: Neoplastic Syndromes, Hereditary; Tumor predisposition; Hereditary Cancer Syndrome; Hereditary neoplastic syndrome. Identifiers: Orphanet 140162, MedGen C0027672, MeSH D009386, MONDO:0015356.

Submission:

Ambry Genetics
Classification: Uncertain significance for Hereditary cancer-predisposing syndrome. Last evaluated: 2026-04-29. Review status: criteria provided, single submitter. Criteria: Ambry Variant Classification Scheme 2023. Collection method: clinical testing. Allele origin: germline.
Comment: The c.2208+4A>T intronic variant results from an A to T substitution 4 nucleotides after coding exon 15 in the TSC1 gene. This nucleotide position is highly conserved in available vertebrate species. In silico splice site analysis predicts that this alteration may weaken the native splice donor site and will result in the creation or strengthening of a novel splice donor site. RNA studies have demonstrated that this variant results in a splice defect; the clinical impact of this abnormal splicing is unknown at this time (Ambry internal data). Based on the available evidence, the clinical significance of this variant remains unclear.

NM_000368.5(TSC1):c.2208+4A>T

Gene: TSC1 (TSC complex subunit 1; minus strand). Cytogenetic location: 9q34.13.
Variant type: single nucleotide variant.
Coding change: c.2208+4A>T on transcript NM_000368.5 (MANE Select); 4 bases into the intron after coding-DNA position 2208, A replaced by T.
Molecular consequence: intron variant.
Genome position (GRCh38, 1-based): chr9:132,903,647, T>A on the plus strand (A>T on the coding strand, the complement: TSC1 is on the minus strand). VCF-style: chr9-132903647-T-A. GRCh37 (hg19) VCF-style: chr9-135779034-T-A.
Other names: c.1842+4A>T (NM_001406620.1, NM_001406625.1, NM_001406621.1 and 2 more transcripts); c.1845+4A>T (NM_001406618.1, NM_001406617.1, NM_001406624.1 and 5 more transcripts); c.2052+4A>T (NM_001406613.1, NM_001406612.1, NM_001406611.1); c.2055+4A>T (NM_001406610.1, NM_001162427.2); c.1254+4A>T (NM_001406627.1, NM_001406628.1); c.1155+4A>T (NM_001406630.1, NM_001406629.1); c.2205+4A>T (NM_001406599.1, NM_001406609.1, NM_001406597.1 and 4 more transcripts); c.2208+4A>T (NM_001406594.1, NM_001406606.1, NM_001406592.1 and 5 more transcripts); and 3 more.
Identifiers: ClinVar variation 4866032 (VCV004866032.1).
Genomic context (GRCh38, chr9:132,903,647, plus strand): 5'-GCTATCATGCTGACCCAAAACAAAACAAAAAGCAAGCTCCACCTGTCCCCTCCCCAGTCC[T>A]CACCATGGCAGCATTATGTTCCTCCAGAGCTGCTGCTTTGATCACCTTGCGGAGGAGCCG-3'